The following is an entry in ClinVar:

ClinVar aggregate classification (germline): Likely benign. Review status: criteria provided, multiple submitters, no conflicts (2 of 4 stars). 10 submissions from 10 submitters: Likely benign (9). 1 of the submissions does not count toward it. Last evaluated 2026-08-01.

Conditions:
Polycystic lipomembranous osteodysplasia with sclerosing leukoencephalopathy 2. Also called: TREM2-Related Polycystic Lipomembranous Osteodysplasia with Sclerosing Leukoencephalopathy. Identifiers: MedGen C4748657, MONDO:0020750, OMIM 618193.
TREM2-related disorder. Also called: TREM2-related condition.

Allele frequency attached by ClinVar (database versions not stated): gnomAD 0.00153; ESP Exome Variant Server 0.00177; TOPMed 0.00195; 1000 Genomes Project 0.00200; 1000 Genomes Project 30x 0.00219.
gnomAD v4.1: 4,478 of 1,614,154 alleles (0.28%); highest among the groups gnomAD compares: Admixed American, 0.37%; 14 homozygotes.

Submissions (10):

CeGaT Center for Human Genetics Tuebingen
Classification: Likely benign. Last evaluated: 2026-08-01. Review status: criteria provided, single submitter. Criteria: CeGaT Center For Human Genetics Tuebingen Variant Classification Criteria Version 2. Collection method: clinical testing. Allele origin: germline. Affected: yes. Observed: 7 variant alleles.
Comment: TREM2: PM5, PS3:Supporting, BP4, BS2

Labcorp Genetics (formerly Invitae), Labcorp
Classification: Likely benign. Last evaluated: 2026-01-18. Review status: criteria provided, single submitter. Criteria: Invitae Variant Classification Sherloc (09022015). Collection method: clinical testing. Allele origin: germline.

Blueprint Genetics
Classification: Likely benign. Last evaluated: 2024-11-25. Review status: criteria provided, single submitter. Criteria: ACMG Guidelines, 2015. Collection method: clinical testing. Allele origin: germline.

Mayo Clinic Laboratories, Mayo Clinic
Classification: Likely benign. Last evaluated: 2024-04-10. Review status: criteria provided, single submitter. Criteria: ACMG Guidelines, 2015. Collection method: clinical testing. Allele origin: germline. Observed: 4 variant alleles.
Comment: BS1, BS2_supporting

GeneDx
Classification: Likely benign. Last evaluated: 2021-08-05. Review status: criteria provided, single submitter. Criteria: GeneDx Variant Classification Process June 2021. Collection method: clinical testing. Allele origin: germline. Affected: yes.
Comment: This variant is associated with the following publications: (PMID: 29411406, 25585992, 25027412, 31836585, 24535663, 26365049, 31381512, 31513029, 29794134, 30222607, 29321225, 29557178, 28149270, 28430856, 29395285, 29859094, 28789839, 29525180, 27196974, 25160042, 27887626, 25936935, 23150908, 24990881, 25615530, 24663666, 24508568, 25186855, 25042114, 24119542, 24041969, 23582655, 23391427, 25886450, 23800361, 23380991, 26021840, 24899047, 28714976, 23855982, 26058841, 23150934, 26754641, 27589997)

Fulgent Genetics
Classification: Likely benign for Polycystic lipomembranous osteodysplasia with sclerosing leukoencephalopathy 2. Last evaluated: 2021-07-29. Review status: criteria provided, single submitter. Criteria: ACMG Guidelines, 2015. Collection method: clinical testing. Allele origin: unknown.

Center for Pediatric Genomic Medicine, Children's Mercy Hospital and Clinics
Classification: Likely benign. Last evaluated: 2017-06-14. Review status: criteria provided, single submitter. Criteria: ACMG Guidelines, 2015. Collection method: clinical testing. Allele origin: germline.

Eurofins Ntd Llc (ga)
Classification: Likely benign. Last evaluated: 2015-02-23. Review status: criteria provided, single submitter. Criteria: EGL Classification Definitions 2015. Collection method: clinical testing. Allele origin: germline. Observed: 1 variant allele, 1 heterozygote.

Breakthrough Genomics
Classification: Likely benign. Review status: criteria provided, single submitter. Criteria: ACMG Guidelines, 2015. Collection method: not provided. Allele origin: germline. Inheritance: Autosomal recessive inheritance. Affected: yes.

PreventionGenetics, part of Exact Sciences
Classification: Likely benign for TREM2-related condition. Last evaluated: 2022-06-14. Review status: no assertion criteria provided. Collection method: clinical testing. Allele origin: germline. Not counted in ClinVar's aggregate classification.
Comment: This variant is classified as likely benign based on ACMG/AMP sequence variant interpretation guidelines (Richards et al. 2015 PMID: 25741868, with internal and published modifications).

NM_018965.4(TREM2):c.140G>A (p.Arg47His)

Gene: TREM2 (triggering receptor expressed on myeloid cells 2; minus strand). Cytogenetic location: 6p21.1.
Variant type: single nucleotide variant.
Coding change: c.140G>A on transcript NM_018965.4 (MANE Select); coding-DNA position 140, G replaced by A.
Protein change: p.Arg47His; replaces arginine 47 with histidine.
Molecular consequence: missense variant.
Genome position (GRCh38, 1-based): chr6:41,161,514, C>T on the plus strand (G>A on the coding strand, the complement: TREM2 is on the minus strand). VCF-style: chr6-41161514-C-T. GRCh37 (hg19) VCF-style: chr6-41129252-C-T.
Other names: p.Arg47His; c.140G>A, p.Arg47His (NM_001271821.2); short protein forms R47H.
Identifiers: ClinVar variation 195350 (VCV000195350.53), dbSNP rs75932628, ClinGen allele CA201675.
Genomic context (GRCh38, chr6:41,161,514, plus strand): 5'-TGCGTGCTGACCACACGCTGGCATGGGCCCTTCTCTCCCAGCTGGCGGCACCAGGCCTTG[C>T]GCCTCCCCCAGTGCTTCATGGAGTCATAGGGGCAAGACACCTGCAGGGACTGGCCCGCCA-3'
Protein context (NP_061838.1, residues 37-57): PYDSMKHWGR[Arg47His]KAWCRQLGEK